The following is an entry in ClinVar:

NM_020806.5(GPHN):c.1414-14G>A

Gene: GPHN (gephyrin; plus strand). Cytogenetic location: 14q23.3.
Variant type: single nucleotide variant.
Coding change: c.1414-14G>A on transcript NM_020806.5 (MANE Select); 14 bases into the intron before coding-DNA position 1414, G replaced by A.
Molecular consequence: intron variant.
Genome position (GRCh38, 1-based): chr14:67,111,847, G>A. VCF-style: chr14-67111847-G-A. GRCh37 (hg19) VCF-style: chr14-67578564-G-A.
Other names: c.1474-14G>A (NM_001377514.1); c.1354-14G>A (NM_001377519.1); c.1444-14G>A (NM_001377515.1); c.1435-14G>A (NM_001377516.1); c.1372-14G>A (NM_001377518.1); c.1387-14G>A (NM_001377517.1); c.1315-14G>A (NM_001024218.2).
Identifiers: ClinVar variation 1404779 (VCV001404779.8), dbSNP rs1204105791, ClinGen allele CA614915890.

ClinVar aggregate classification (germline): Uncertain significance (1 of 4 stars; one submission).

Conditions:
Sulfite oxidase deficiency due to molybdenum cofactor deficiency type C. Also called: Molybdenum cofactor deficiency, complementation group C; Molybdenum cofactor deficiency C. Identifiers: Orphanet 308400, Orphanet 833, MedGen C1854990, MONDO:0014212, OMIM 615501.

Allele frequency attached by ClinVar (database versions not stated): gnomAD 0.00001.
gnomAD v4.1: 2 of 1,605,682 alleles (0.00012%); highest among the groups gnomAD compares: African/African-American, 0.0013%; no homozygotes.

Submission:

Labcorp Genetics (formerly Invitae), Labcorp
Classification: Uncertain significance for Sulfite oxidase deficiency due to molybdenum cofactor deficiency type C. Last evaluated: 2021-07-08. Review status: criteria provided, single submitter. Criteria: Invitae Variant Classification Sherloc (09022015). Collection method: clinical testing. Allele origin: germline.
Comment: In summary, the available evidence is currently insufficient to determine the role of this variant in disease. Therefore, it has been classified as a Variant of Uncertain Significance. Algorithms developed to predict the effect of sequence changes on RNA splicing suggest that this variant may create or strengthen a splice site. This variant has not been reported in the literature in individuals affected with GPHN-related conditions. This variant is not present in population databases (ExAC no frequency). This sequence change falls in intron 14 of the GPHN gene. It does not directly change the encoded amino acid sequence of the GPHN protein.